The following is an entry in ClinVar:

ClinVar aggregate classification (germline): Uncertain significance (1 of 4 stars; one submission).

Allele frequency attached by ClinVar (database versions not stated): ExAC 0.00001; gnomAD exomes 0.00001; TOPMed 0.00001.
gnomAD v4.1: 12 of 1,614,016 alleles (0.00074%); highest among the groups gnomAD compares: Non-Finnish European, 0.001%; no homozygotes.

Submission:

GeneDx
Classification: Uncertain significance. Last evaluated: 2014-05-02. Review status: criteria provided, single submitter. Criteria: GeneDx Variant Classification (06012015). Collection method: clinical testing. Allele origin: germline. Affected: yes.
Comment: p.Gln204Leu (CAG>CTG): c.611 A>T in exon 7 of the NDUFS8 gene (NM_002496.2) A variant of unknown significance has been identified in the NDUFS8 gene. The Q204L variant has not been published as a mutation, nor has it been reported as a benign polymorphism to our knowledge. The Q204L variant is a non-conservative amino acid substitution, which is likely to impact secondary protein structure as these residues differ in polarity, charge, size and/or other properties. This substitution occurs at a position that is conserved across species. In silico analysis predicts this variant likely does not alter the protein structure/function. Therefore, based on the currently available information, it is unclear whether this variant is a pathogenic mutation or a rare benign variant. The variant is found in MITONUC-MITOP panel(s).

NM_002496.4(NDUFS8):c.611A>T (p.Gln204Leu)

Gene: NDUFS8 (NADH:ubiquinone oxidoreductase core subunit S8; plus strand). Cytogenetic location: 11q13.2.
Variant type: single nucleotide variant.
Coding change: c.611A>T on transcript NM_002496.4 (MANE Select); coding-DNA position 611, A replaced by T.
Protein change: p.Gln204Leu; replaces glutamine 204 with leucine.
Molecular consequence: missense variant.
Genome position (GRCh38, 1-based): chr11:68,036,571, A>T. VCF-style: chr11-68036571-A-T. GRCh37 (hg19) VCF-style: chr11-67804038-A-T.
Other names: p.Q204L:CAG>CTG; short protein forms Q204L.
Identifiers: ClinVar variation 214841 (VCV000214841.2), dbSNP rs780162910, ClinGen allele CA322342.